The following is an entry in ClinVar:

NM_004036.5(ADCY3):c.1805+2T>A

Gene: ADCY3 (adenylate cyclase 3; minus strand). Cytogenetic location: 2p23.3.
Variant type: single nucleotide variant.
Coding change: c.1805+2T>A on transcript NM_004036.5 (MANE Select); the canonical splice donor site of the intron after coding-DNA position 1805, T replaced by A.
Molecular consequence: splice donor variant.
Genome position (GRCh38, 1-based): chr2:24,834,792, A>T on the plus strand (T>A on the coding strand, the complement: ADCY3 is on the minus strand). VCF-style: chr2-24834792-A-T. GRCh37 (hg19) VCF-style: chr2-25057661-A-T.
Other names: c.1805+2T>A (NM_001377130.1, NM_001377129.1, NM_001320613.2 and 1 more transcripts); c.1871+2T>A (NM_001377128.1); c.1082+2T>A (NM_001377131.1).
Identifiers: ClinVar variation 3345755 (VCV003345755.1).

ClinVar aggregate classification (germline): Uncertain significance (0 of 4 stars; one submission).

Conditions:
ADCY3-related disorder. Also called: ADCY3-related condition.

gnomAD v4.1: 3 of 1,612,288 alleles (0.00019%); highest among the groups gnomAD compares: Non-Finnish European, 0.00025%; no homozygotes.

Submission:

PreventionGenetics, part of Exact Sciences
Classification: Uncertain significance for ADCY3-related condition. Last evaluated: 2024-08-07. Review status: no assertion criteria provided. Collection method: clinical testing. Allele origin: germline.
Comment: The ADCY3 c.1805+2T>A variant is predicted to disrupt the GT donor site and interfere with normal splicing. To our knowledge, this variant has not been reported in the literature or in a large population database, indicating this variant is rare. Although we suspect that this variant may be pathogenic, at this time, the clinical significance of this variant is uncertain due to the absence of conclusive functional and genetic evidence.